The following is an entry in ClinVar:

NM_014639.4(SKIC3):c.345G>A (p.Trp115Ter)

Gene: SKIC3 (SKI3 subunit of superkiller complex; minus strand). Cytogenetic location: 5q15.
Variant type: single nucleotide variant.
Coding change: c.345G>A on transcript NM_014639.4 (MANE Select); coding-DNA position 345, G replaced by A.
Protein change: p.Trp115Ter; replaces tryptophan 115 with a stop codon.
Molecular consequence: nonsense.
Genome position (GRCh38, 1-based): chr5:95,541,362, C>T on the plus strand (G>A on the coding strand, the complement: SKIC3 is on the minus strand). VCF-style: chr5-95541362-C-T. GRCh37 (hg19) VCF-style: chr5-94877066-C-T.
Other names: short protein forms W115*.
Identifiers: ClinVar variation 2866492 (VCV002866492.3), dbSNP rs1317447669, ClinGen allele CA360444177.

ClinVar aggregate classification (germline): Pathogenic (1 of 4 stars; one submission).

Allele frequency attached by ClinVar (database versions not stated): gnomAD exomes below 0.00001; TOPMed 0.00001.
gnomAD v4.1: 1 of 1,613,624 alleles (0.000062%); highest among the groups gnomAD compares: East Asian, 0.0022%; no homozygotes.

Submission:

Labcorp Genetics (formerly Invitae), Labcorp
Classification: Pathogenic. Last evaluated: 2023-08-20. Review status: criteria provided, single submitter. Criteria: Invitae Variant Classification Sherloc (09022015). Collection method: clinical testing. Allele origin: germline.
Comment: This sequence change creates a premature translational stop signal (p.Trp115*) in the TTC37 gene. It is expected to result in an absent or disrupted protein product. Loss-of-function variants in TTC37 are known to be pathogenic (PMID: 20176027, 21120949). This variant is not present in population databases (gnomAD no frequency). This variant has not been reported in the literature in individuals affected with TTC37-related conditions. For these reasons, this variant has been classified as Pathogenic.

Literature cited by the submitters: PubMed 20176027; PubMed 21120949.